The following is an entry in ClinVar:

ClinVar aggregate classification (germline): Conflicting classifications of pathogenicity. Review status: criteria provided, conflicting classifications (1 of 4 stars). 6 submissions from 6 submitters: Uncertain significance (5); Likely benign (1). Last evaluated 2025-11-13.

Conditions:
Inborn genetic diseases. Identifiers: MedGen C0950123, MeSH D030342.
Microcephaly 5, primary, autosomal recessive (MCPH5). Also called: ASPM Primary Microcephaly. Identifiers: Orphanet 2512, MedGen C1837501, MONDO:0012106, OMIM 608716.

Allele frequency attached by ClinVar (database versions not stated): ExAC 0.00003; gnomAD exomes 0.00005; ESP Exome Variant Server 0.00023; gnomAD 0.00025 and 0.00029; TOPMed 0.00029.

Submissions (6):

Ambry Genetics
Classification: Likely benign for Inborn genetic diseases. Last evaluated: 2025-11-13. Review status: criteria provided, single submitter. Criteria: Ambry Variant Classification Scheme 2023. Collection method: clinical testing. Allele origin: germline.

Labcorp Genetics (formerly Invitae), Labcorp
Classification: Uncertain significance. Last evaluated: 2025-02-03. Review status: criteria provided, single submitter. Criteria: Invitae Variant Classification Sherloc (09022015). Collection method: clinical testing. Allele origin: germline.
Comment: This sequence change replaces aspartic acid, which is acidic and polar, with tyrosine, which is neutral and polar, at codon 381 of the ASPM protein (p.Asp381Tyr). This variant is present in population databases (rs147055570, gnomAD 0.08%). This variant has not been reported in the literature in individuals affected with ASPM-related conditions. ClinVar contains an entry for this variant (Variation ID: 196485). Invitae Evidence Modeling of protein sequence and biophysical properties (such as structural, functional, and spatial information, amino acid conservation, physicochemical variation, residue mobility, and thermodynamic stability) indicates that this missense variant is not expected to disrupt ASPM protein function with a negative predictive value of 80%. In summary, the available evidence is currently insufficient to determine the role of this variant in disease. Therefore, it has been classified as a Variant of Uncertain Significance.

GeneDx
Classification: Uncertain significance. Last evaluated: 2024-03-31. Review status: criteria provided, single submitter. Criteria: GeneDx Variant Classification Process June 2021. Collection method: clinical testing. Allele origin: germline. Affected: yes.
Comment: Has not been previously published as pathogenic or benign to our knowledge; In silico analysis supports that this missense variant has a deleterious effect on protein structure/function; Missense variant in a gene in which most reported pathogenic variants are truncating/loss of function

Genome-Nilou Lab
Classification: Uncertain significance for Microcephaly 5, primary, autosomal recessive. Last evaluated: 2023-04-11. Review status: criteria provided, single submitter. Criteria: ACMG Guidelines, 2015. Collection method: clinical testing. Allele origin: germline. Affected: no.

New York Genome Center
Classification: Uncertain significance for Microcephaly 5, primary, autosomal recessive. Last evaluated: 2021-05-28. Review status: criteria provided, single submitter. Criteria: NYGC Assertion Criteria 2020. Collection method: clinical testing. Allele origin: germline. Observed: 1 heterozygote. Study: CSER-NYCKidSeq.

Eurofins Ntd Llc (ga)
Classification: Uncertain significance. Last evaluated: 2014-06-25. Review status: criteria provided, single submitter. Criteria: EGL Classification Definitions 2015. Collection method: clinical testing. Allele origin: germline. Observed: 1 variant allele, 1 heterozygote.

NM_018136.5(ASPM):c.1141G>T (p.Asp381Tyr)

Gene: ASPM (assembly factor for spindle microtubules; minus strand). Cytogenetic location: 1q31.3.
Variant type: single nucleotide variant.
Coding change: c.1141G>T on transcript NM_018136.5 (MANE Select); coding-DNA position 1141, G replaced by T.
Protein change: p.Asp381Tyr; replaces aspartic acid 381 with tyrosine.
Molecular consequence: missense variant.
Genome position (GRCh38, 1-based): chr1:197,143,111, C>A on the plus strand (G>T on the coding strand, the complement: ASPM is on the minus strand). VCF-style: chr1-197143111-C-A. GRCh37 (hg19) VCF-style: chr1-197112241-C-A.
Other names: c.1141G>T, p.Asp381Tyr (NM_001206846.2); short protein forms D381Y.
Identifiers: ClinVar variation 196485 (VCV000196485.15), dbSNP rs147055570, ClinGen allele CA243448.